The following is an entry in ClinVar:

NM_024105.4(ALG12):c.898G>A (p.Ala300Thr)

Gene: ALG12 (ALG12 alpha-1,6-mannosyltransferase; minus strand). Cytogenetic location: 22q13.33.
Variant type: single nucleotide variant.
Coding change: c.898G>A on transcript NM_024105.4 (MANE Select); coding-DNA position 898, G replaced by A.
Protein change: p.Ala300Thr; replaces alanine 300 with threonine.
Molecular consequence: missense variant.
Genome position (GRCh38, 1-based): chr22:49,907,815, C>T on the plus strand (G>A on the coding strand, the complement: ALG12 is on the minus strand). VCF-style: chr22-49907815-C-T. GRCh37 (hg19) VCF-style: chr22-50301463-C-T.
Other names: short protein forms A300T.
Identifiers: ClinVar variation 1972024 (VCV001972024.6), dbSNP rs2519263193, ClinGen allele CA412073674.

ClinVar aggregate classification (germline): Uncertain significance. Review status: criteria provided, multiple submitters, no conflicts (2 of 4 stars). 2 submissions from 2 submitters: Uncertain significance (2). Last evaluated 2023-08-04.

Conditions:
Inborn genetic diseases. Identifiers: MedGen C0950123, MeSH D030342.
ALG12-congenital disorder of glycosylation (CDG1G). Also called: CDG Ig; ALG12-CDG; Congenital disorder of glycosylation, type Ig. Identifiers: Orphanet 79324, MedGen C2931001, MONDO:0011783, OMIM 607143.

Allele frequency attached by ClinVar (database versions not stated): gnomAD exomes below 0.00001.
gnomAD v4.1: 1 of 1,614,100 alleles (0.000062%); highest among the groups gnomAD compares: Non-Finnish European, 0.000085%; no homozygotes.

Submissions (2):

Labcorp Genetics (formerly Invitae), Labcorp
Classification: Uncertain significance for ALG12-congenital disorder of glycosylation. Last evaluated: 2023-08-04. Review status: criteria provided, single submitter. Criteria: Invitae Variant Classification Sherloc (09022015). Collection method: clinical testing. Allele origin: germline.
Comment: This sequence change replaces alanine, which is neutral and non-polar, with threonine, which is neutral and polar, at codon 300 of the ALG12 protein (p.Ala300Thr). This variant is not present in population databases (gnomAD no frequency). This variant has not been reported in the literature in individuals affected with ALG12-related conditions. ClinVar contains an entry for this variant (Variation ID: 1972024). Advanced modeling of protein sequence and biophysical properties (such as structural, functional, and spatial information, amino acid conservation, physicochemical variation, residue mobility, and thermodynamic stability) performed at Invitae indicates that this missense variant is not expected to disrupt ALG12 protein function. In summary, the available evidence is currently insufficient to determine the role of this variant in disease. Therefore, it has been classified as a Variant of Uncertain Significance.

Ambry Genetics
Classification: Uncertain significance for Inborn genetic diseases. Last evaluated: 2022-12-13. Review status: criteria provided, single submitter. Criteria: Ambry Variant Classification Scheme 2023. Collection method: clinical testing. Allele origin: germline.